The following is an entry in ClinVar:

ClinVar aggregate classification (germline): Uncertain significance (1 of 4 stars; one submission).

gnomAD v4.1: 16 of 1,613,804 alleles (0.00099%); highest among the groups gnomAD compares: Middle Eastern, 0.016%; no homozygotes.

Submission:

Women's Health and Genetics/Laboratory Corporation of America, LabCorp
Classification: Uncertain significance. Last evaluated: 2026-01-06. Review status: criteria provided, single submitter. Criteria: LabCorp Variant Classification Summary - May 2015. Collection method: clinical testing. Allele origin: germline.
Comment: Variant summary: GLI2 c.4409G>A (p.Arg1470Gln) results in a conservative amino acid change in the encoded protein sequence. Algorithms developed to predict the effect of missense changes on protein structure and function all suggest that this variant is likely to be tolerated. The variant allele was found at a frequency of 1.2e-05 in 251096 control chromosomes. The available data on variant occurrences in the general population are insufficient to allow any conclusion about variant significance. To our knowledge, no occurrence of c.4409G>A in individuals affected with GLI2-related conditions and no experimental evidence demonstrating its impact on protein function have been reported. No submitters have cited clinical-significance assessments for this variant to ClinVar. Based on the evidence outlined above, the variant was classified as uncertain significance.

NM_001374353.1(GLI2):c.4358G>A (p.Arg1453Gln)

Gene: GLI2 (GLI family zinc finger 2; plus strand). Cytogenetic location: 2q14.2.
Variant type: single nucleotide variant.
Coding change: c.4358G>A on transcript NM_001374353.1 (MANE Select); coding-DNA position 4358, G replaced by A.
Protein change: p.Arg1453Gln; replaces arginine 1453 with glutamine.
Molecular consequence: missense variant.
Genome position (GRCh38, 1-based): chr2:120,990,323, G>A. VCF-style: chr2-120990323-G-A. GRCh37 (hg19) VCF-style: chr2-121747899-G-A.
Other names: c.4409G>A, p.Arg1470Gln (NM_001371271.1, NM_005270.5); c.3983G>A, p.Arg1328Gln (NM_001374354.1); short protein forms R1328Q, R1453Q, R1470Q.
Identifiers: ClinVar variation 4689619 (VCV004689619.1).